The following is an entry in ClinVar:

ClinVar aggregate classification (germline): Conflicting classifications of pathogenicity. Review status: criteria provided, conflicting classifications (1 of 4 stars). 3 submissions from 1 submitter: Uncertain significance (1); Benign (2). Last evaluated 2018-01-13.

Conditions:
Atrial fibrillation, familial, 9 (ATFB9). Identifiers: MedGen C3151431, MONDO:0013513, OMIM 613980.
Andersen Tawil syndrome (LQT7). Also called: Potassium-sensitive periodic paralysis, ventricular ectopy, and dysmorphic features; ANDERSEN CARDIODYSRHYTHMIC PERIODIC PARALYSIS; LONG QT SYNDROME 7; PERIODIC PARALYSIS, POTASSIUM-SENSITIVE CARDIODYSRHYTHMIC TYPE; Andersen Syndrome. Identifiers: Orphanet 37553, MedGen C1563715, MONDO:0008222, OMIM 170390.
Short QT syndrome type 3. Identifiers: Orphanet 51083, MedGen C1865018, MONDO:0012314, OMIM 609622.

Allele frequency attached by ClinVar (database versions not stated): gnomAD 0.00035; TOPMed 0.00054; 1000 Genomes Project 30x 0.00109; 1000 Genomes Project 0.00120.

Submissions (3):

Illumina Laboratory Services, Illumina
Classification: Benign for Andersen Tawil syndrome. Last evaluated: 2018-01-13. Review status: criteria provided, single submitter. Criteria: ICSL Variant Classification Criteria 13 December 2019. Collection method: clinical testing. Allele origin: germline.
Comment: This variant was observed in the ICSL laboratory as part of a predisposition screen in an ostensibly healthy population. It had not been previously curated by ICSL or reported in the Human Gene Mutation Database (HGMD: prior to June 1st, 2018), and was therefore a candidate for classification through an automated scoring system. Utilizing variant allele frequency, disease prevalence and penetrance estimates, and inheritance mode, an automated score was calculated to assess if this variant is too frequent to cause the disease. Based on the score and internal cut-off values, a variant classified as benign is not then subjected to further curation. The score for this variant resulted in a classification of benign for this disease.

Illumina Laboratory Services, Illumina
Classification: Uncertain significance for Atrial fibrillation, familial, 9. Last evaluated: 2018-01-13. Review status: criteria provided, single submitter. Criteria: ICSL Variant Classification Criteria 13 December 2019. Collection method: clinical testing. Allele origin: germline.

Illumina Laboratory Services, Illumina
Classification: Benign for Short QT syndrome type 3. Last evaluated: 2018-01-13. Review status: criteria provided, single submitter. Criteria: ICSL Variant Classification Criteria 13 December 2019. Collection method: clinical testing. Allele origin: germline.
Comment: the same text as in the submission from Illumina Laboratory Services, Illumina above.

NM_000891.3(KCNJ2):c.*996C>T

Gene: KCNJ2 (potassium inwardly rectifying channel subfamily J member 2; plus strand). Cytogenetic location: 17q24.3.
Variant type: single nucleotide variant.
Coding change: c.*996C>T on transcript NM_000891.3 (MANE Select); 996 bases downstream of the stop codon, C replaced by T.
Molecular consequence: 3 prime UTR variant.
Genome position (GRCh38, 1-based): chr17:70,177,319, C>T. VCF-style: chr17-70177319-C-T. GRCh37 (hg19) VCF-style: chr17-68173460-C-T.
Identifiers: ClinVar variation 324848 (VCV000324848.5), dbSNP rs77958248, ClinGen allele CA10646624.
Genomic context (GRCh38, chr17:70,177,319, plus strand): 5'-TTTAAGAGGAAGAAGAAGAAAGGGGCACACACACACAATACCGACGTCTATCCTTTCCTG[C>T]TAGGCAGTGCTGGCCAGGCTCATGTGTAGTGTGCGAGATGGTGATGTACTCTTATATTTT-3'